The following is an entry in ClinVar:

ClinVar aggregate classification (germline): Uncertain significance (1 of 4 stars; one submission).

Conditions:
Nephronophthisis 14 (NPHP14). Identifiers: Orphanet 2318, MedGen C3539071, MONDO:0013916, OMIM 614844.

Allele frequency attached by ClinVar (database versions not stated): gnomAD exomes below 0.00001.

Submission:

Labcorp Genetics (formerly Invitae), Labcorp
Classification: Uncertain significance for Nephronophthisis 14. Last evaluated: 2022-05-28. Review status: criteria provided, single submitter. Criteria: Invitae Variant Classification Sherloc (09022015). Collection method: clinical testing. Allele origin: germline.
Comment: This variant has not been reported in the literature in individuals affected with ZNF423-related conditions. This variant is not present in population databases (gnomAD no frequency). This sequence change replaces methionine, which is neutral and non-polar, with threonine, which is neutral and polar, at codon 1139 of the ZNF423 protein (p.Met1139Thr). In summary, the available evidence is currently insufficient to determine the role of this variant in disease. Therefore, it has been classified as a Variant of Uncertain Significance. Algorithms developed to predict the effect of missense changes on protein structure and function are either unavailable or do not agree on the potential impact of this missense change (SIFT: "Deleterious"; PolyPhen-2: "Benign"; Align-GVGD: "Class C0").

NM_001379286.1(ZNF423):c.3440T>C (p.Met1147Thr)

Gene: ZNF423 (zinc finger protein 423; minus strand). Cytogenetic location: 16q12.1.
Variant type: single nucleotide variant.
Coding change: c.3440T>C on transcript NM_001379286.1 (MANE Select); coding-DNA position 3440, T replaced by C.
Protein change: p.Met1147Thr; replaces methionine 1147 with threonine.
Molecular consequence: missense variant.
Genome position (GRCh38, 1-based): chr16:49,635,736, A>G on the plus strand (T>C on the coding strand, the complement: ZNF423 is on the minus strand). VCF-style: chr16-49635736-A-G. GRCh37 (hg19) VCF-style: chr16-49669647-A-G.
Other names: c.3236T>C, p.Met1079Thr (NM_001271620.2); c.3065T>C, p.Met1022Thr (NM_001330533.2); c.3416T>C, p.Met1139Thr (NM_015069.5); short protein forms M1079T, M1147T, M1022T, M1139T.
Identifiers: ClinVar variation 1999903 (VCV001999903.4), dbSNP rs2506969773, ClinGen allele CA395839357.